The following is an entry in ClinVar:

ClinVar aggregate classification (germline): Uncertain significance (1 of 4 stars; one submission).

Conditions:
Inborn genetic diseases. Identifiers: MedGen C0950123, MeSH D030342.

Submission:

Ambry Genetics
Classification: Uncertain significance for Inborn genetic diseases. Last evaluated: 2024-10-20. Review status: criteria provided, single submitter. Criteria: Ambry Variant Classification Scheme 2023. Collection method: clinical testing. Allele origin: germline.
Comment: The p.A1988G variant (also known as c.5963C>G), located in coding exon 41 of the LRRK2 gene, results from a C to G substitution at nucleotide position 5963. The alanine at codon 1988 is replaced by glycine, an amino acid with similar properties. This amino acid position is conserved. In addition, this alteration is predicted to be tolerated by in silico analysis. Based on the available evidence, the clinical significance of this variant remains unclear.

NM_198578.4(LRRK2):c.5963C>G (p.Ala1988Gly)

Gene: LRRK2 (leucine rich repeat kinase 2; plus strand). Cytogenetic location: 12q12.
Variant type: single nucleotide variant.
Coding change: c.5963C>G on transcript NM_198578.4 (MANE Select); coding-DNA position 5963, C replaced by G.
Protein change: p.Ala1988Gly; replaces alanine 1988 with glycine.
Molecular consequence: missense variant.
Genome position (GRCh38, 1-based): chr12:40,340,308, C>G. VCF-style: chr12-40340308-C-G. GRCh37 (hg19) VCF-style: chr12-40734110-C-G.
Other names: short protein forms A1988G.
Identifiers: ClinVar variation 3540741 (VCV003540741.1).